The following is an entry in ClinVar:

NM_003200.5(TCF3):c.1214G>A (p.Arg405His)

Gene: TCF3 (transcription factor 3; minus strand). Cytogenetic location: 19p13.3.
Variant type: single nucleotide variant.
Coding change: c.1214G>A on transcript NM_003200.5 (MANE Select); coding-DNA position 1214, G replaced by A.
Protein change: p.Arg405His; replaces arginine 405 with histidine.
Molecular consequence: missense variant.
Genome position (GRCh38, 1-based): chr19:1,619,428, C>T on the plus strand (G>A on the coding strand, the complement: TCF3 is on the minus strand). VCF-style: chr19-1619428-C-T. GRCh37 (hg19) VCF-style: chr19-1619427-C-T.
Other names: c.1214G>A, p.Arg405His (NM_001136139.4, NM_001351779.2); c.1211G>A, p.Arg404His (NM_001351778.2); c.1214G>A (NM_003200.3); short protein forms R404H, R405H.
Identifiers: ClinVar variation 1443180 (VCV001443180.9), dbSNP rs201296678, ClinGen allele CA9049975.

ClinVar aggregate classification (germline): Conflicting classifications of pathogenicity. Review status: criteria provided, conflicting classifications (1 of 4 stars). 4 submissions from 4 submitters: Uncertain significance (3); Likely benign (1). Last evaluated 2026-02-04.

Conditions:
Agammaglobulinemia 8, autosomal dominant (AGM8A). Also called: AGAMMAGLOBULINEMIA, AUTOSOMAL DOMINANT, DUE TO TCF3 DEFECT; AGAMMAGLOBULINEMIA 8A, AUTOSOMAL DOMINANT. Identifiers: MedGen C4310786, MONDO:0014840, OMIM 616941.
Inborn genetic diseases. Identifiers: MedGen C0950123, MeSH D030342.

Allele frequency attached by ClinVar (database versions not stated): ExAC 0.00007; gnomAD exomes 0.00008; TOPMed 0.00008; gnomAD 0.00010 and 0.00011; ESP Exome Variant Server 0.00015.

Submissions (4):

Labcorp Genetics (formerly Invitae), Labcorp
Classification: Uncertain significance. Last evaluated: 2026-02-04. Review status: criteria provided, single submitter. Criteria: Invitae Variant Classification Sherloc (09022015). Collection method: clinical testing. Allele origin: germline.
Comment: This sequence change replaces arginine, which is basic and polar, with histidine, which is basic and polar, at codon 405 of the TCF3 protein (p.Arg405His). This variant is present in population databases (rs201296678, gnomAD 0.02%). This variant has not been reported in the literature in individuals affected with TCF3-related conditions. ClinVar contains an entry for this variant (Variation ID: 1443180). Invitae Evidence Modeling of protein sequence and biophysical properties (such as structural, functional, and spatial information, amino acid conservation, physicochemical variation, residue mobility, and thermodynamic stability) indicates that this missense variant is expected to disrupt TCF3 protein function with a positive predictive value of 80%. In summary, the available evidence is currently insufficient to determine the role of this variant in disease. Therefore, it has been classified as a Variant of Uncertain Significance.

Genesolutions, Medical Genetics Institutes, Ho Chi Minh City, Vietnam
Classification: Uncertain significance for Agammaglobulinemia 8, autosomal dominant. Last evaluated: 2025-09-24. Review status: criteria provided, single submitter. Criteria: ACMG Guidelines, 2015. Collection method: clinical testing. Allele origin: germline. Affected: yes.

Ambry Genetics
Classification: Uncertain significance for Inborn genetic diseases. Last evaluated: 2024-12-05. Review status: criteria provided, single submitter. Criteria: Ambry Variant Classification Scheme 2023. Collection method: clinical testing. Allele origin: germline.

Blueprint Genetics
Classification: Likely benign. Last evaluated: 2021-11-26. Review status: criteria provided, single submitter. Criteria: ACMG Guidelines, 2015. Collection method: clinical testing. Allele origin: germline.